The following is an entry in ClinVar:

NM_020163.3(SEMA3G):c.499C>T (p.Arg167Trp)

Gene: SEMA3G (semaphorin 3G; minus strand). Cytogenetic location: 3p21.1.
Variant type: single nucleotide variant.
Coding change: c.499C>T on transcript NM_020163.3 (MANE Select); coding-DNA position 499, C replaced by T.
Protein change: p.Arg167Trp; replaces arginine 167 with tryptophan.
Molecular consequence: missense variant.
Genome position (GRCh38, 1-based): chr3:52,441,870, G>A on the plus strand (C>T on the coding strand, the complement: SEMA3G is on the minus strand). VCF-style: chr3-52441870-G-A. GRCh37 (hg19) VCF-style: chr3-52475886-G-A.
Other names: c.499C>T (NM_020163.2); short protein forms R167W.
Identifiers: ClinVar variation 2354837 (VCV002354837.6), dbSNP rs56380397, ClinGen allele CA2438323.
Genomic context (GRCh38, chr3:52,441,870, plus strand): 5'-ATCACCCACCTATGAAGGTGCTGGCAAAGGGACGGCTGGGCTCGTGAGGGCACCGCCCCC[G>A]GCCACTTTCCACACTGCCAGGCTCCAGGTGGAGCACATGCTAGTGGGAGGGAGAGAGGGA-3'
Protein context (NP_064548.1, residues 157-177): HLEPGSVESG[Arg167Trp]GRCPHEPSRP

ClinVar aggregate classification (germline): Conflicting classifications of pathogenicity. Review status: criteria provided, conflicting classifications (1 of 4 stars). 2 submissions from 2 submitters: Uncertain significance (1); Likely benign (1). Last evaluated 2025-11-25.

Conditions:
SEMA3G-related disorder. Also called: SEMA3G-related condition.

Allele frequency attached by ClinVar (database versions not stated): 1000 Genomes Project 0.00020; 1000 Genomes Project 30x 0.00031; ESP Exome Variant Server 0.00054; ExAC 0.00056; TOPMed 0.00078.
gnomAD v4.1: 2,147 of 1,590,622 alleles (0.13%); highest among the groups gnomAD compares: Non-Finnish European, 0.17%; 2 homozygotes.

Submissions (2):

PreventionGenetics, part of Exact Sciences
Classification: Likely benign for SEMA3G-related condition. Last evaluated: 2025-11-25. Review status: criteria provided, single submitter. Criteria: ACMG Guidelines, 2015. Collection method: clinical testing. Allele origin: germline.
Comment: This variant is classified as likely benign based on ACMG/AMP sequence variant interpretation guidelines (Richards et al. 2015 PMID: 25741868, with internal and published modifications).

Ambry Genetics
Classification: Uncertain significance. Last evaluated: 2021-10-26. Review status: criteria provided, single submitter. Criteria: Ambry Variant Classification Scheme 2023. Collection method: clinical testing. Allele origin: germline.